The following is an entry in ClinVar:

ClinVar aggregate classification (germline): Uncertain significance. Review status: criteria provided, multiple submitters, no conflicts (2 of 4 stars). 2 submissions from 2 submitters: Uncertain significance (2). Last evaluated 2024-10-27.

Allele frequency attached by ClinVar (database versions not stated): TOPMed 0.00002; gnomAD 0.00003; ExAC 0.00005; ESP Exome Variant Server 0.00008.
gnomAD v4.1: 31 of 1,613,456 alleles (0.0019%); highest among the groups gnomAD compares: Non-Finnish European, 0.0021%; no homozygotes.

Submissions (2):

Labcorp Genetics (formerly Invitae), Labcorp
Classification: Uncertain significance. Last evaluated: 2024-10-27. Review status: criteria provided, single submitter. Criteria: Invitae Variant Classification Sherloc (09022015). Collection method: clinical testing. Allele origin: germline.
Comment: This sequence change replaces alanine, which is neutral and non-polar, with threonine, which is neutral and polar, at codon 47 of the TFAM protein (p.Ala47Thr). This variant is present in population databases (rs376618691, gnomAD 0.009%). This variant has not been reported in the literature in individuals affected with TFAM-related conditions. Invitae Evidence Modeling of protein sequence and biophysical properties (such as structural, functional, and spatial information, amino acid conservation, physicochemical variation, residue mobility, and thermodynamic stability) indicates that this missense variant is not expected to disrupt TFAM protein function with a negative predictive value of 80%. In summary, the available evidence is currently insufficient to determine the role of this variant in disease. Therefore, it has been classified as a Variant of Uncertain Significance.

Ambry Genetics
Classification: Uncertain significance. Last evaluated: 2022-06-30. Review status: criteria provided, single submitter. Criteria: Ambry Variant Classification Scheme 2023. Collection method: clinical testing. Allele origin: germline.

NM_003201.3(TFAM):c.139G>A (p.Ala47Thr)

Gene: TFAM (transcription factor A, mitochondrial; plus strand). Cytogenetic location: 10q21.1.
Variant type: single nucleotide variant.
Coding change: c.139G>A on transcript NM_003201.3 (MANE Select); coding-DNA position 139, G replaced by A.
Protein change: p.Ala47Thr; replaces alanine 47 with threonine.
Molecular consequence: missense variant. On other transcripts: non-coding transcript variant (1).
Genome position (GRCh38, 1-based): chr10:58,386,257, G>A. VCF-style: chr10-58386257-G-A. GRCh37 (hg19) VCF-style: chr10-60146017-G-A.
Other names: c.139G>A, p.Ala47Thr (NM_001270782.2); short protein forms A47T.
Identifiers: ClinVar variation 3176439 (VCV003176439.3), dbSNP rs376618691, ClinGen allele CA5507879.